The following is an entry in ClinVar:

ClinVar aggregate classification (germline): Uncertain significance (1 of 4 stars; one submission).

Conditions:
COG7 congenital disorder of glycosylation (CDG2E). Also called: CDG IIe; CONGENITAL DISORDER OF GLYCOSYLATION, TYPE IIe. Identifiers: Orphanet 79333, MedGen C2931010, MONDO:0012118, OMIM 608779.

Submission:

Labcorp Genetics (formerly Invitae), Labcorp
Classification: Uncertain significance for COG7 congenital disorder of glycosylation. Last evaluated: 2024-09-23. Review status: criteria provided, single submitter. Criteria: Invitae Variant Classification Sherloc (09022015). Collection method: clinical testing. Allele origin: germline.
Comment: This sequence change replaces glutamic acid, which is acidic and polar, with glutamine, which is neutral and polar, at codon 625 of the COG7 protein (p.Glu625Gln). This variant is not present in population databases (gnomAD no frequency). This variant has not been reported in the literature in individuals affected with COG7-related conditions. ClinVar contains an entry for this variant (Variation ID: 1515662). Invitae Evidence Modeling of protein sequence and biophysical properties (such as structural, functional, and spatial information, amino acid conservation, physicochemical variation, residue mobility, and thermodynamic stability) indicates that this missense variant is expected to disrupt COG7 protein function with a positive predictive value of 80%. In summary, the available evidence is currently insufficient to determine the role of this variant in disease. Therefore, it has been classified as a Variant of Uncertain Significance.

NM_153603.4(COG7):c.1873G>C (p.Glu625Gln)

Gene: COG7 (component of oligomeric golgi complex 7; minus strand). Cytogenetic location: 16p12.2.
Variant type: single nucleotide variant.
Coding change: c.1873G>C on transcript NM_153603.4 (MANE Select); coding-DNA position 1873, G replaced by C.
Protein change: p.Glu625Gln; replaces glutamic acid 625 with glutamine.
Molecular consequence: missense variant.
Genome position (GRCh38, 1-based): chr16:23,398,060, C>G on the plus strand (G>C on the coding strand, the complement: COG7 is on the minus strand). VCF-style: chr16-23398060-C-G. GRCh37 (hg19) VCF-style: chr16-23409381-C-G.
Other names: short protein forms E625Q.
Identifiers: ClinVar variation 1515662 (VCV001515662.6), dbSNP rs150027511, ClinGen allele CA395117352.